The following is an entry in ClinVar:

ClinVar aggregate classification (germline): Likely benign (1 of 4 stars; one submission).

Conditions:
LRRC45-related disorder. Also called: LRRC45-related condition.

Submission:

PreventionGenetics, part of Exact Sciences
Classification: Likely benign for LRRC45-related condition. Last evaluated: 2024-11-10. Review status: criteria provided, single submitter. Criteria: ACMG Guidelines, 2015. Collection method: clinical testing. Allele origin: germline.
Comment: This variant is classified as likely benign based on ACMG/AMP sequence variant interpretation guidelines (Richards et al. 2015 PMID: 25741868, with internal and published modifications).

NM_144999.4(LRRC45):c.1711A>C (p.Arg571=)

Gene: LRRC45 (leucine rich repeat containing 45; plus strand). Cytogenetic location: 17q25.3.
Variant type: single nucleotide variant.
Coding change: c.1711A>C on transcript NM_144999.4 (MANE Select); coding-DNA position 1711, A replaced by C.
Protein change: p.Arg571=; no amino-acid change (arginine 571 retained).
Molecular consequence: synonymous variant.
Genome position (GRCh38, 1-based): chr17:82,030,361, A>C. VCF-style: chr17-82030361-A-C. GRCh37 (hg19) VCF-style: chr17-79988237-A-C.
Identifiers: ClinVar variation 4985854 (VCV004985854.1).